The following is an entry in ClinVar:

ClinVar aggregate classification (germline): Conflicting classifications of pathogenicity. Review status: criteria provided, conflicting classifications (1 of 4 stars). 4 submissions from 4 submitters: Uncertain significance (1); Likely benign (2). 1 of the submissions does not count toward it. Last evaluated 2025-01-05.

Conditions:
NPHP3-related disorder. Also called: NPHP3-related disorders; NPHP3-related condition. Identifiers: MedGen CN379163.
Nephronophthisis. Also called: Juvenile Nephronophthisis. Identifiers: Orphanet 655, MedGen C0687120, MONDO:0019005, HP:0000090.
Nephronophthisis 3 (NPHP3). Also called: Adolescent nephronophthisis. Identifiers: Orphanet 655, MedGen C1858392, MONDO:0011456, OMIM 604387.
NPHP3-related Meckel-like syndrome. Also called: GOLDSTON SYNDROME; Meckel syndrome type 7. Identifiers: Orphanet 3032, MedGen C2673885, MONDO:0009966, OMIM 267010.
Renal-hepatic-pancreatic dysplasia 1 (RHPD1). Identifiers: MedGen C3715199, MONDO:0008833, OMIM 208540.

Allele frequency attached by ClinVar (database versions not stated): TOPMed below 0.00001; gnomAD 0.00001 and 0.00002; gnomAD exomes 0.00003; ExAC 0.00004; ESP Exome Variant Server 0.00008.
gnomAD v4.1: 27 of 1,601,528 alleles (0.0017%); highest among the groups gnomAD compares: Middle Eastern, 0.017%; no homozygotes.

Submissions (4):

Labcorp Genetics (formerly Invitae), Labcorp
Classification: Likely benign for Nephronophthisis. Last evaluated: 2025-01-05. Review status: criteria provided, single submitter. Criteria: Invitae Variant Classification Sherloc (09022015). Collection method: clinical testing. Allele origin: germline.

Fulgent Genetics
Classification: Uncertain significance for Renal-hepatic-pancreatic dysplasia 1; NPHP3-related Meckel-like syndrome; Nephronophthisis 3. Last evaluated: 2024-03-07. Review status: criteria provided, single submitter. Criteria: ACMG Guidelines, 2015. Collection method: clinical testing. Allele origin: germline.

Blueprint Genetics
Classification: Likely benign. Last evaluated: 2023-10-17. Review status: criteria provided, single submitter. Criteria: ACMG Guidelines, 2015. Collection method: clinical testing. Allele origin: germline.

PreventionGenetics, part of Exact Sciences
Classification: Likely benign for NPHP3-related condition. Last evaluated: 2019-03-12. Review status: no assertion criteria provided. Collection method: clinical testing. Allele origin: germline. Not counted in ClinVar's aggregate classification.
Comment: This variant is classified as likely benign based on ACMG/AMP sequence variant interpretation guidelines (Richards et al. 2015 PMID: 25741868, with internal and published modifications).

NM_153240.5(NPHP3):c.987C>T (p.Cys329=)

Genes: NPHP3 (nephrocystin 3; minus strand), NPHP3-ACAD11 (NPHP3-ACAD11 readthrough (NMD candidate); minus strand). Cytogenetic location: 3q22.1.
Variant type: single nucleotide variant.
Coding change: c.987C>T on transcript NM_153240.5 (MANE Select); coding-DNA position 987, C replaced by T.
Protein change: p.Cys329=; no amino-acid change (cysteine 329 retained).
Molecular consequence: synonymous variant. On other transcripts: non-coding transcript variant (1).
Genome position (GRCh38, 1-based): chr3:132,713,257, G>A on the plus strand (C>T on the coding strand, the complement: NPHP3 is on the minus strand). VCF-style: chr3-132713257-G-A. GRCh37 (hg19) VCF-style: chr3-132432101-G-A.
Other names: c.987C>T (NM_153240.4).
Identifiers: ClinVar variation 1356665 (VCV001356665.11), dbSNP rs138124482, ClinGen allele CA2622438.